The following is an entry in ClinVar:

ClinVar aggregate classification (germline): Likely pathogenic (1 of 4 stars; one submission).

Conditions:
Anophthalmia/microphthalmia-esophageal atresia syndrome (MCOPS3). Also called: MICROPHTHALMIA AND ESOPHAGEAL ATRESIA SYNDROME; AEG SYNDROME; SOX2 Disorder. Identifiers: Orphanet 77298, MedGen C1859773, MONDO:0008799, OMIM 206900.

Submission:

Dasa
Classification: Likely pathogenic for Anophthalmia/microphthalmia-esophageal atresia syndrome. Last evaluated: 2026-02-12. Review status: criteria provided, single submitter. Criteria: DASA Assertion Criteria. Collection method: clinical testing. Allele origin: germline.
Comment: NM_003106.4(SOX2):c.293G>C (p.Arg98Pro) is a missense variant that results in the substitution of arginine with proline. The affected residue or protein region has prior evidence supporting clinical relevance. De novo occurrence has been reported in an individual with SOX2-related disorders. This variant is absent from population databases. Computational evidence supports a deleterious effect. Based on the currently available evidence, this variant is classified as likely pathogenic.

NM_003106.4(SOX2):c.293G>C (p.Arg98Pro)

Genes: SOX2 (SRY-box transcription factor 2; plus strand), SOX2-OT (SOX2 overlapping transcript; plus strand), LOC108281177 (SOX2 5' regulatory region; plus strand). Cytogenetic location: 3q26.33.
Variant type: single nucleotide variant.
Coding change: c.293G>C on transcript NM_003106.4 (MANE Select); coding-DNA position 293, G replaced by C.
Protein change: p.Arg98Pro; replaces arginine 98 with proline.
Molecular consequence: missense variant.
Genome position (GRCh38, 1-based): chr3:181,712,653, G>C. VCF-style: chr3-181712653-G-C. GRCh37 (hg19) VCF-style: chr3-181430441-G-C.
Other names: short protein forms R98P.
Identifiers: ClinVar variation 4882493 (VCV004882493.2).